The following is an entry in ClinVar:

ClinVar aggregate classification (germline): Likely benign. Review status: criteria provided, single submitter (1 of 4 stars). 2 submissions from 2 submitters: Likely benign (1). 1 of the submissions does not count toward it. Last evaluated 2018-06-29.

Conditions:
NELFA-related disorder. Also called: NELFA-related condition.

Allele frequency attached by ClinVar (database versions not stated): 1000 Genomes Project 0.00040; ExAC 0.00041; gnomAD exomes 0.00043; ESP Exome Variant Server 0.00046; gnomAD 0.00046; TOPMed 0.00046; 1000 Genomes Project 30x 0.00047.
gnomAD v4.1: 904 of 1,613,872 alleles (0.056%); highest among the groups gnomAD compares: Admixed American, 0.12%; no homozygotes.

Submissions (2):

Labcorp Genetics (formerly Invitae), Labcorp
Classification: Likely benign. Last evaluated: 2018-06-29. Review status: criteria provided, single submitter. Criteria: Invitae Variant Classification Sherloc (09022015). Collection method: clinical testing. Allele origin: germline.

PreventionGenetics, part of Exact Sciences
Classification: Likely benign for NELFA-related condition. Last evaluated: 2020-04-16. Review status: no assertion criteria provided. Collection method: clinical testing. Allele origin: germline. Not counted in ClinVar's aggregate classification.
Comment: This variant is classified as likely benign based on ACMG/AMP sequence variant interpretation guidelines (Richards et al. 2015 PMID: 25741868, with internal and published modifications).

NM_005663.5(NELFA):c.528G>A (p.Ala176=)

Gene: NELFA (negative elongation factor complex member A; minus strand). Cytogenetic location: 4p16.3.
Variant type: single nucleotide variant.
Coding change: c.528G>A on transcript NM_005663.5 (MANE Select); coding-DNA position 528, G replaced by A.
Protein change: p.Ala176=; no amino-acid change (alanine 176 retained).
Molecular consequence: synonymous variant.
Genome position (GRCh38, 1-based): chr4:1,989,724, C>T on the plus strand (G>A on the coding strand, the complement: NELFA is on the minus strand). VCF-style: chr4-1989724-C-T. GRCh37 (hg19) VCF-style: chr4-1991451-C-T.
Identifiers: ClinVar variation 718851 (VCV000718851.5), dbSNP rs150822505, ClinGen allele CA2813504.
Genomic context (GRCh38, chr4:1,989,724, plus strand): 5'-GGAAACTACAAAGACAATGCCCGATGGCGGCCGCGGCCACTCACACTTCTGCAGCAGCTC[C>T]GCCCGCAGCGTGGCGCTCTTGGGTTTCCGCTTTAACTGAAAATGCTTCACCGGGGGAGTG-3'
Protein context (NP_005654.4, residues 166-186): KRKPKSATLR[Ala176=]ELLQKSTETA